The following is an entry in ClinVar:

NM_001364171.2(ODAD1):c.818C>T (p.Pro273Leu)

Gene: ODAD1 (outer dynein arm docking complex subunit 1; minus strand). Cytogenetic location: 19q13.33.
Variant type: single nucleotide variant.
Coding change: c.818C>T on transcript NM_001364171.2 (MANE Select); coding-DNA position 818, C replaced by T.
Protein change: p.Pro273Leu; replaces proline 273 with leucine.
Molecular consequence: missense variant.
Genome position (GRCh38, 1-based): chr19:48,303,988, G>A on the plus strand (C>T on the coding strand, the complement: ODAD1 is on the minus strand). VCF-style: chr19-48303988-G-A. GRCh37 (hg19) VCF-style: chr19-48807245-G-A.
Other names: c.707C>T, p.Pro236Leu (NM_144577.4); short protein forms P236L, P273L.
Identifiers: ClinVar variation 648553 (VCV000648553.7), dbSNP rs760482173, ClinGen allele CA9548954.

ClinVar aggregate classification (germline): Uncertain significance. Review status: criteria provided, multiple submitters, no conflicts (2 of 4 stars). 2 submissions from 2 submitters: Uncertain significance (2). Last evaluated 2025-08-08.

Conditions:
Primary ciliary dyskinesia. Also called: Ciliary dyskinesia. Identifiers: Orphanet 244, MedGen C0008780, MONDO:0016575, HP:0012265.

Allele frequency attached by ClinVar (database versions not stated): gnomAD exomes below 0.00001 and 0.00001; ExAC 0.00001; gnomAD 0.00001; TOPMed 0.00002.

Submissions (2):

Ambry Genetics
Classification: Uncertain significance for Primary ciliary dyskinesia. Last evaluated: 2025-08-08. Review status: criteria provided, single submitter. Criteria: Ambry Variant Classification Scheme 2023. Collection method: clinical testing. Allele origin: germline.

Labcorp Genetics (formerly Invitae), Labcorp
Classification: Uncertain significance for Primary ciliary dyskinesia. Last evaluated: 2022-08-10. Review status: criteria provided, single submitter. Criteria: Invitae Variant Classification Sherloc (09022015). Collection method: clinical testing. Allele origin: germline.
Comment: This sequence change replaces proline, which is neutral and non-polar, with leucine, which is neutral and non-polar, at codon 236 of the CCDC114 protein (p.Pro236Leu). This variant is present in population databases (rs760482173, gnomAD 0.003%). This variant has not been reported in the literature in individuals affected with CCDC114-related conditions. ClinVar contains an entry for this variant (Variation ID: 648553). Algorithms developed to predict the effect of missense changes on protein structure and function output the following: SIFT: "Tolerated"; PolyPhen-2: "Benign"; Align-GVGD: "Class C0". The leucine amino acid residue is found in multiple mammalian species, which suggests that this missense change does not adversely affect protein function. In summary, the available evidence is currently insufficient to determine the role of this variant in disease. Therefore, it has been classified as a Variant of Uncertain Significance.